The following is an entry in ClinVar:

NM_000092.5(COL4A4):c.1022G>A (p.Gly341Asp)

Gene: COL4A4 (collagen type IV alpha 4 chain; minus strand). Cytogenetic location: 2q36.3.
Variant type: single nucleotide variant.
Coding change: c.1022G>A on transcript NM_000092.5 (MANE Select); coding-DNA position 1022, G replaced by A.
Protein change: p.Gly341Asp; replaces glycine 341 with aspartic acid.
Molecular consequence: missense variant.
Genome position (GRCh38, 1-based): chr2:227,101,511, C>T on the plus strand (G>A on the coding strand, the complement: COL4A4 is on the minus strand). VCF-style: chr2-227101511-C-T. GRCh37 (hg19) VCF-style: chr2-227966227-C-T.
Other names: short protein forms G341D.
Identifiers: ClinVar variation 2067966 (VCV002067966.6), dbSNP rs2475529342, ClinGen allele CA350855773.
Genomic context (GRCh38, chr2:227,101,511, plus strand): 5'-TATTAAGGATATAAACTTTTATCAGGATATATTAAAATAGGCTCACTTTTTACCTTTGGG[C>T]CAATTAATCCAAATAGCCCAGGATCTCCAACCAGTCCTAGTTCTCCCTACAAACAAGCAC-3'
Protein context (NP_000083.3, residues 331-351): VGDPGLFGLI[Gly341Asp]PKGDPGNRGH

ClinVar aggregate classification (germline): Pathogenic/Likely pathogenic. Review status: criteria provided, multiple submitters, no conflicts (2 of 4 stars). 3 submissions from 3 submitters: Pathogenic (1); Likely pathogenic (2). Last evaluated 2025-09-02.

Conditions:
Autosomal recessive Alport syndrome (ATS2). Also called: COL4A3-Related Nephropathy; COL4A4 Alport Syndrome and Thin Basement Membrane Nephropathy; Alport syndrome type 2; ALPORT SYNDROME 2, AUTOSOMAL RECESSIVE. Identifiers: Orphanet 63, Orphanet 88919, MedGen C4746745, MONDO:0008762, OMIM 203780.
Hematuria, benign familial, 1 (BFH1). Also called: THIN MEMBRANE NEPHROPATHY. Identifiers: MedGen CN376803, MONDO:0007709, OMIM 141200.
Alport syndrome. Also called: Hemorrhagic familial nephritis; Hemorrhagic hereditary nephritis; Congenital hereditary hematuria. Identifiers: Orphanet 63, MedGen C1567741, MONDO:0018965.

Submissions (3):

Labcorp Genetics (formerly Invitae), Labcorp
Classification: Pathogenic. Last evaluated: 2025-09-02. Review status: criteria provided, single submitter. Criteria: Invitae Variant Classification Sherloc (09022015). Collection method: clinical testing. Allele origin: germline.
Comment: This sequence change replaces glycine, which is neutral and non-polar, with aspartic acid, which is acidic and polar, at codon 341 of the COL4A4 protein (p.Gly341Asp). This variant is not present in population databases (gnomAD no frequency). This missense change has been observed in individual(s) with clinical features of Alport syndrome (PMID: 36685964; internal data). In at least one individual the data is consistent with being in trans (on the opposite chromosome) from a pathogenic variant. ClinVar contains an entry for this variant (Variation ID: 2067966). Invitae Evidence Modeling of protein sequence and biophysical properties (such as structural, functional, and spatial information, amino acid conservation, physicochemical variation, residue mobility, and thermodynamic stability) indicates that this missense variant is expected to disrupt COL4A4 protein function with a positive predictive value of 95%. For these reasons, this variant has been classified as Pathogenic.

Natera, Inc.
Classification: Likely pathogenic for Alport syndrome. Last evaluated: 2025-08-29. Review status: criteria provided, single submitter. Criteria: Natera Variant Classification Schema (03/2026). Collection method: clinical testing. Allele origin: germline.
Comment: The c.1022G>A variant in COL4A4 is a missense variant predicted to cause substitution of glycine to aspartic acid at amino acid 341. This variant is rare in the general population with a frequency below the threshold expected for the associated phenotype(s). This variant is located in a functionally critical region of the protein. Computational prediction algorithms indicate this variant is likely to affect gene or protein function. Given the available evidence, this variant is classified as Likely Pathogenic.

Fulgent Genetics
Classification: Likely pathogenic for Hematuria, benign familial, 1; Autosomal recessive Alport syndrome. Last evaluated: 2024-02-05. Review status: criteria provided, single submitter. Criteria: ACMG Guidelines, 2015. Collection method: clinical testing. Allele origin: germline.

Literature cited by the submitters: PubMed 36685964 (cited by Labcorp Genetics (formerly Invitae), Labcorp).